The following is an entry in ClinVar:

ClinVar aggregate classification (germline): Likely benign. Review status: criteria provided, single submitter (1 of 4 stars). 2 submissions from 2 submitters: Likely benign (1). 1 of the submissions does not count toward it. Last evaluated 2022-01-24.

Conditions:
Neuropathy, hereditary sensory and autonomic, type 2A (HSAN2A). Also called: ACROOSTEOLYSIS, GIACCAI TYPE; ACROOSTEOLYSIS, NEUROGENIC; MORVAN DISEASE; NEUROPATHY, CONGENITAL SENSORY; NEUROPATHY, HEREDITARY SENSORY RADICULAR, AUTOSOMAL RECESSIVE; NEUROPATHY, HEREDITARY SENSORY, TYPE IIA. Identifiers: Orphanet 970, MedGen C2752089, MONDO:0024309, OMIM 201300.
Channelopathy-associated congenital insensitivity to pain, autosomal recessive. Also called: ASYMBOLIA FOR PAIN; CONGENITAL ANALGESIA, AUTOSOMAL RECESSIVE; Insensitivity to pain, channelopathy-associated. Identifiers: Orphanet 88642, Orphanet 970, MedGen C1855739, MONDO:0009459, OMIM 243000.
Paroxysmal extreme pain disorder (PEXPD). Also called: PAIN, SUBMANDIBULAR, OCULAR, AND RECTAL, WITH FLUSHING; RECTAL PAIN, FAMILIAL; SCN9A Paroxysmal Extreme Pain Disorder (SCN9A-PEPD). Identifiers: Orphanet 46348, MedGen C1833661, MONDO:0008179, OMIM 167400.
Primary erythromelalgia. Also called: SCN9A Erythromelalgia (SCN9A-EM); primary erythermalgia. Identifiers: Orphanet 306577, Orphanet 90026, MedGen C0014805, MONDO:0007571, OMIM 133020.
SCN9A-related disorder. Also called: SCN9A-related condition; SCN9A-related disorders.

Allele frequency attached by ClinVar (database versions not stated): gnomAD exomes 0.00714; ExAC 0.01678; gnomAD 0.03869; 1000 Genomes Project 30x 0.04606.

Submissions (2):

Fulgent Genetics
Classification: Likely benign for Primary erythromelalgia; Paroxysmal extreme pain disorder; Neuropathy, hereditary sensory and autonomic, type 2A; Channelopathy-associated congenital insensitivity to pain, autosomal recessive. Last evaluated: 2022-01-24. Review status: criteria provided, single submitter. Criteria: ACMG Guidelines, 2015. Collection method: clinical testing. Allele origin: unknown.

PreventionGenetics, part of Exact Sciences
Classification: Benign for SCN9A-related condition. Last evaluated: 2021-02-11. Review status: no assertion criteria provided. Collection method: clinical testing. Allele origin: germline. Not counted in ClinVar's aggregate classification.
Comment: This variant is classified as benign based on ACMG/AMP sequence variant interpretation guidelines (Richards et al. 2015 PMID: 25741868, with internal and published modifications).

NM_001365536.1(SCN9A):c.2874+11_2874+13del

Genes: SCN1A-AS1 (SCN1A and SCN9A antisense RNA 1; plus strand), SCN9A (sodium voltage-gated channel alpha subunit 9; minus strand). Cytogenetic location: 2q24.3.
Variant type: Deletion.
Coding change: c.2874+11_2874+13del on transcript NM_001365536.1 (MANE Select); bases 11 to 13 of the intron after coding-DNA position 2874, 3 bases deleted (AGA; older notation c.2874+11_2874+13delAGA).
Molecular consequence: intron variant.
Genome position (GRCh38, 1-based): chr2:166,276,970-166,276,972, TCT deleted on the plus strand (AGA on the coding strand, the reverse complement: SCN9A is on the minus strand). VCF-style (leftmost placement, unchanged base first): chr2-166276969-ATCT-A. GRCh37 (hg19) VCF-style: chr2-167133479-ATCT-A.
Other names: c.2841+11_2841+13delAGA (NM_002977.3); c.2841+11_2841+13del (NM_002977.4).
Identifiers: ClinVar variation 1809687 (VCV001809687.3), dbSNP rs386652353, ClinGen allele CA1944188.